The following is an entry in ClinVar:

ClinVar aggregate classification (germline): Uncertain significance (1 of 4 stars; one submission).

Conditions:
Ataxia-telangiectasia syndrome (AT). Also called: AT, COMPLEMENTATION GROUP C; Ataxia telangiectasia (A-T); ATAXIA-TELANGIECTASIA, COMPLEMENTATION GROUP A; ATAXIA-TELANGIECTASIA, FRESNO VARIANT; Ataxia-telangiectasia, complementation group D; Ataxia-telangiectasia, complementation group E. Identifiers: Orphanet 100, MedGen C0004135, MONDO:0008840, OMIM 208900.

Submission:

Labcorp Genetics (formerly Invitae), Labcorp
Classification: Uncertain significance for Ataxia-telangiectasia syndrome. Last evaluated: 2023-05-24. Review status: criteria provided, single submitter. Criteria: Invitae Variant Classification Sherloc (09022015). Collection method: clinical testing. Allele origin: germline.
Comment: In summary, the available evidence is currently insufficient to determine the role of this variant in disease. Therefore, it has been classified as a Variant of Uncertain Significance. An algorithm developed to predict the effect of missense changes on protein structure and function (PolyPhen-2) suggests that this variant is likely to be disruptive. This variant has not been reported in the literature in individuals affected with ATM-related conditions. This variant is not present in population databases (gnomAD no frequency). This sequence change replaces proline, which is neutral and non-polar, with serine, which is neutral and polar, at codon 534 of the ATM protein (p.Pro534Ser).

NM_000051.4(ATM):c.1600C>T (p.Pro534Ser)

Gene: ATM (ATM serine/threonine kinase; plus strand). Cytogenetic location: 11q22.3.
Variant type: single nucleotide variant.
Coding change: c.1600C>T on transcript NM_000051.4 (MANE Select); coding-DNA position 1600, C replaced by T.
Protein change: p.Pro534Ser; replaces proline 534 with serine.
Molecular consequence: missense variant.
Genome position (GRCh38, 1-based): chr11:108,251,065, C>T. VCF-style: chr11-108251065-C-T. GRCh37 (hg19) VCF-style: chr11-108121792-C-T.
Other names: c.1600C>T, p.Pro534Ser (NM_001351834.2); short protein forms P534S.
Identifiers: ClinVar variation 2860032 (VCV002860032.3), dbSNP rs2135328274, ClinGen allele CA382534443.